The following is an entry in ClinVar:

NM_000037.4(ANK1):c.4160G>A (p.Ser1387Asn)

Gene: ANK1 (ankyrin 1; minus strand). Cytogenetic location: 8p11.21.
Variant type: single nucleotide variant.
Coding change: c.4160G>A on transcript NM_000037.4 (MANE Select); coding-DNA position 4160, G replaced by A.
Protein change: p.Ser1387Asn; replaces serine 1387 with asparagine.
Molecular consequence: missense variant.
Genome position (GRCh38, 1-based): chr8:41,688,534, C>T on the plus strand (G>A on the coding strand, the complement: ANK1 is on the minus strand). VCF-style: chr8-41688534-C-T. GRCh37 (hg19) VCF-style: chr8-41546052-C-T.
Other names: c.4283G>A, p.Ser1428Asn (NM_001142446.2); c.4160G>A, p.Ser1387Asn (NM_020475.3, NM_020476.3, NM_020477.3); short protein forms S1387N, S1428N.
Identifiers: ClinVar variation 2702270 (VCV002702270.5), dbSNP rs142425754, ClinGen allele CA4727645.

ClinVar aggregate classification (germline): Conflicting classifications of pathogenicity. Review status: criteria provided, conflicting classifications (1 of 4 stars). 3 submissions from 3 submitters: Uncertain significance (2); Likely benign (1). Last evaluated 2025-10-02.

Conditions:
Hereditary spherocytosis type 1. Also called: Spherocytosis type 1; ANK1-Related Spherocytosis. Identifiers: Orphanet 822, MedGen C2674218, MONDO:0008447, OMIM 182900.

Allele frequency attached by ClinVar (database versions not stated): gnomAD exomes 0.00001; ExAC 0.00002; ESP Exome Variant Server 0.00008; gnomAD 0.00009; TOPMed 0.00009.
gnomAD v4.1: 34 of 1,614,096 alleles (0.0021%); highest among the groups gnomAD compares: African/African-American, 0.039%; 1 homozygote.

Submissions (3):

Labcorp Genetics (formerly Invitae), Labcorp
Classification: Uncertain significance. Last evaluated: 2025-10-02. Review status: criteria provided, single submitter. Criteria: Invitae Variant Classification Sherloc (09022015). Collection method: clinical testing. Allele origin: germline.
Comment: This sequence change replaces serine, which is neutral and polar, with asparagine, which is neutral and polar, at codon 1387 of the ANK1 protein (p.Ser1387Asn). This variant is present in population databases (rs142425754, gnomAD 0.03%). This variant has not been reported in the literature in individuals affected with ANK1-related conditions. ClinVar contains an entry for this variant (Variation ID: 2702270). An algorithm developed to predict the effect of missense changes on protein structure and function (PolyPhen-2) suggests that this variant is likely to be disruptive. In summary, the available evidence is currently insufficient to determine the role of this variant in disease. Therefore, it has been classified as a Variant of Uncertain Significance.

ARUP Laboratories, Molecular Genetics and Genomics, ARUP Laboratories
Classification: Likely benign for Hereditary spherocytosis type 1. Last evaluated: 2025-06-06. Review status: criteria provided, single submitter. Criteria: ARUP Molecular Germline Variant Investigation Process 2024. Collection method: clinical testing. Allele origin: germline.

Revvity Omics, Revvity
Classification: Uncertain significance for Hereditary spherocytosis type 1. Last evaluated: 2024-07-11. Review status: criteria provided, single submitter. Criteria: ACMG Guidelines, 2015. Collection method: clinical testing. Allele origin: germline.